The following is an entry in ClinVar:

NM_000059.3:c.7181_7182insALU

Gene: BRCA2 (BRCA2 DNA repair associated; plus strand).
Variant type: Insertion.
Identifiers: ClinVar variation 4629285 (VCV004629285.1).

ClinVar aggregate classification (germline): Likely pathogenic (1 of 4 stars; one submission).

Conditions:
Hereditary cancer-predisposing syndrome. Also called: Neoplastic Syndromes, Hereditary; Tumor predisposition; Hereditary Cancer Syndrome; Hereditary neoplastic syndrome. Identifiers: Orphanet 140162, MedGen C0027672, MeSH D009386, MONDO:0015356.

Submission:

Ambry Genetics
Classification: Likely pathogenic for Hereditary cancer-predisposing syndrome. Last evaluated: 2025-12-01. Review status: criteria provided, single submitter. Criteria: Ambry Variant Classification Scheme 2023. Collection method: clinical testing. Allele origin: germline.
Comment: The c.7181_7182insAlu variant results from the insertion of an Alu element between nucleotides c.7181 and c.7182 in coding exon 13 of the BRCA2 gene. Mobile element insertions contribute to pathogenicity by either disrupting the coding sequence or inducing aberrant splicing (Belancio VP et al. Semin. Cancer Biol. 2010 Aug;20:200-10; Deininger P et al. Genome Biol. 2011 Dec;12:236; van der Klift HM Hum Mutat. 2012 Jul;33(7):1051-5). Based on the majority of available evidence to date, this variant is likely to be pathogenic.